The following is an entry in ClinVar:

NM_003823.4(TNFRSF6B):c.654T>C (p.Phe218=)

Genes: RTEL1-TNFRSF6B (RTEL1-TNFRSF6B readthrough (NMD candidate); plus strand), TNFRSF6B (TNF receptor superfamily member 6b; plus strand). Cytogenetic location: 20q13.33.
Variant type: single nucleotide variant.
Coding change: c.654T>C on transcript NM_003823.4 (MANE Select); coding-DNA position 654, T replaced by C.
Protein change: p.Phe218=; no amino-acid change (phenylalanine 218 retained).
Molecular consequence: synonymous variant. On other transcripts: non-coding transcript variant (1).
Genome position (GRCh38, 1-based): chr20:63,698,314, T>C. VCF-style: chr20-63698314-T-C. GRCh37 (hg19) VCF-style: chr20-62329667-T-C.
Identifiers: ClinVar variation 3008265 (VCV003008265.3), dbSNP rs748004646, ClinGen allele CA9966549.

ClinVar aggregate classification (germline): Uncertain significance (1 of 4 stars; one submission).

Allele frequency attached by ClinVar (database versions not stated): gnomAD exomes below 0.00001; gnomAD 0.00001; TOPMed 0.00001; ExAC 0.00002.
gnomAD v4.1: 4 of 1,611,042 alleles (0.00025%); highest among the groups gnomAD compares: South Asian, 0.0022%; no homozygotes.

Submission:

Labcorp Genetics (formerly Invitae), Labcorp
Classification: Uncertain significance. Last evaluated: 2023-04-24. Review status: criteria provided, single submitter. Criteria: Invitae Variant Classification Sherloc (09022015). Collection method: clinical testing. Allele origin: germline.
Comment: In summary, the available evidence is currently insufficient to determine the role of this variant in disease. Therefore, it has been classified as a Variant of Uncertain Significance. Algorithms developed to predict the effect of sequence changes on RNA splicing suggest that this variant may disrupt the consensus splice site. This variant has not been reported in the literature in individuals affected with TNFRSF6B-related conditions. The frequency data for this variant in the population databases is considered unreliable, as metrics indicate poor data quality at this position in the gnomAD database. This sequence change affects codon 218 of the TNFRSF6B mRNA. It is a 'silent' change, meaning that it does not change the encoded amino acid sequence of the TNFRSF6B protein.